The following continues an entry in ClinVar:

NM_000059.4(BRCA2):c.5411T>C (p.Val1804Ala)

Gene: BRCA2. ClinVar aggregate classification (germline): Conflicting classifications of pathogenicity. Uncertain significance (7); Benign (1); Likely benign (5).

Submissions 10 to 14 of 14:

Women's Health and Genetics/Laboratory Corporation of America, LabCorp
Classification: Uncertain significance. Last evaluated: 2020-09-11. Review status: criteria provided, single submitter. Criteria: LabCorp Variant Classification Summary - May 2015. Collection method: clinical testing. Allele origin: germline.
Comment: Variant summary: BRCA2 c.5411T>C (p.Val1804Ala) results in a non-conservative amino acid change in the encoded protein sequence. Three of five in-silico tools predict a benign effect of the variant on protein function. The variant allele was found at a frequency of 3.6e-05 in 251240 control chromosomes (gnomAD and publication). The available data on variant occurrences in the general population are insufficient to allow any conclusion about variant significance. c.5411T>C has been reported in the literature in individuals affected with Hereditary Breast and Ovarian Cancer Syndrome (Wong-Brown_2015, Valarmathi_2004). These reports however, do not provide unequivocal conclusions about association of the variant with Hereditary Breast and Ovarian Cancer Syndrome. Co-occurrence with another pathogenic variant has been reported (BRCA2 c.5227dupT), providing supporting evidence for a benign role (Valarmathi_2004). To our knowledge, no experimental evidence demonstrating an impact on protein function has been reported. Six ClinVar submitters (evaluation after 2014) cite the variant as uncertain significance (n=4) or likely benign (n=2). Based on the evidence outlined above, the variant was classified as uncertain significance.

Genome Diagnostics Laboratory, University Medical Center Utrecht
Classification: Likely benign for Breast-ovarian cancer, familial, susceptibility to, 2. Last evaluated: 2017-07-28. Review status: criteria provided, single submitter. Criteria: ACGS Guidelines, 2013. Collection method: clinical testing. Allele origin: germline. Affected: yes. Study: VKGL Data-share Consensus.

Clinical Genetics DNA and cytogenetics Diagnostics Lab, Erasmus MC, Erasmus Medical Center
Classification: Likely benign for Breast-ovarian cancer, familial, susceptibility to, 2. Last evaluated: 2015-09-21. Review status: criteria provided, single submitter. Criteria: ACGS Guidelines, 2013. Collection method: clinical testing. Allele origin: germline. Affected: yes. Study: VKGL Data-share Consensus.

Neuberg Centre For Genomic Medicine, NCGM
Classification: Uncertain significance for Breast-ovarian cancer, familial, susceptibility to, 2. Review status: criteria provided, single submitter. Criteria: ACMG Guidelines, 2015. Collection method: clinical testing. Allele origin: germline. Inheritance: Autosomal dominant inheritance. Affected: yes.
Comment: The missense variant c.5411T>C(p.Val1804Ala) has been previously reported in individuals affected with breast and/or ovarian cancer (Saxena et. al., 2006; Valarmathi et. al., 2004). The p.Val1804Ala variant is novel (not in any individuals) in 1000 Genomes and has allele frequency of 0.003% in gnomAD database. This variant has been reported to the ClinVar database as Variant of Uncertain Significance/Likely benign. The amino acid Val at position 1804 is changed to a Ala changing protein sequence and it might alter its composition and physico-chemical properties. Algorithms developed to predict the effect of missense changes on protein structure and function (SIFT, PolyPhen-2, Align-GVGD) all suggest that this variant is likely to be tolerated, but these predictions have not been confirmed by published functional studies and their clinical significance is uncertain. Therefore, it has been classified as a Variant of Uncertain Significance (VUS). The classification is likely to change as more data becomes available for this variant.

ITMI
No classification provided. Condition: AllHighlyPenetrant. Last evaluated: 2013-09-19. Review status: no classification provided. Collection method: reference population. Allele origin: germline. Not counted in ClinVar's aggregate classification.
Comment: Please see associated publication for description of ethnicities

Literature cited by the submitters: PubMed 33471991 (cited by 4 submitters); PubMed 31911673 (cited by Quest Diagnostics Nichols Institute San Juan Capistrano); PubMed 25682074 (cited by 5 submitters); PubMed 31131967 (cited by Quest Diagnostics Nichols Institute San Juan Capistrano); PubMed 14722926 (cited by 5 submitters); PubMed 17018160 (cited by Quest Diagnostics Nichols Institute San Juan Capistrano); PubMed 24728327 (cited by 5 submitters); PubMed 25085752 (cited by Myriad Genetics, Inc.).